The following is an entry in ClinVar:

ClinVar aggregate classification (germline): Uncertain significance (1 of 4 stars; one submission).

Allele frequency attached by ClinVar (database versions not stated): gnomAD exomes 0.00001; gnomAD 0.00003; 1000 Genomes Project 0.00020; TOPMed 0.00003; 1000 Genomes Project 30x 0.00016.
gnomAD v4.1: 12 of 1,600,724 alleles (0.00075%); highest among the groups gnomAD compares: Admixed American, 0.01%; no homozygotes.

Submission:

Labcorp Genetics (formerly Invitae), Labcorp
Classification: Uncertain significance. Last evaluated: 2023-11-19. Review status: criteria provided, single submitter. Criteria: Invitae Variant Classification Sherloc (09022015). Collection method: clinical testing. Allele origin: germline.
Comment: This sequence change replaces glutamine, which is neutral and polar, with arginine, which is basic and polar, at codon 3728 of the HERC1 protein (p.Gln3728Arg). This variant is present in population databases (rs191228528, gnomAD 0.009%). This variant has not been reported in the literature in individuals affected with HERC1-related conditions. ClinVar contains an entry for this variant (Variation ID: 1502630). An algorithm developed to predict the effect of missense changes on protein structure and function (PolyPhen-2) suggests that this variant is likely to be tolerated. Algorithms developed to predict the effect of sequence changes on RNA splicing suggest that this variant may disrupt the consensus splice site. In summary, the available evidence is currently insufficient to determine the role of this variant in disease. Therefore, it has been classified as a Variant of Uncertain Significance.

NM_003922.4(HERC1):c.11183A>G (p.Gln3728Arg)

Gene: HERC1 (HECT and RLD domain containing E3 ubiquitin protein ligase family member 1; minus strand). Cytogenetic location: 15q22.31.
Variant type: single nucleotide variant.
Coding change: c.11183A>G on transcript NM_003922.4 (MANE Select); coding-DNA position 11183, A replaced by G.
Protein change: p.Gln3728Arg; replaces glutamine 3728 with arginine.
Molecular consequence: missense variant.
Genome position (GRCh38, 1-based): chr15:63,644,993, T>C on the plus strand (A>G on the coding strand, the complement: HERC1 is on the minus strand). VCF-style: chr15-63644993-T-C. GRCh37 (hg19) VCF-style: chr15-63937192-T-C.
Other names: short protein forms Q3728R.
Identifiers: ClinVar variation 1502630 (VCV001502630.6), dbSNP rs191228528, ClinGen allele CA272103948.